The following is an entry in ClinVar:

NM_024678.6(NARS2):c.123G>T (p.Gly41=)

Gene: NARS2 (asparaginyl-tRNA synthetase 2, mitochondrial; minus strand). Cytogenetic location: 11q14.1.
Variant type: single nucleotide variant.
Coding change: c.123G>T on transcript NM_024678.6 (MANE Select); coding-DNA position 123, G replaced by T.
Protein change: p.Gly41=; no amino-acid change (glycine 41 retained).
Molecular consequence: synonymous variant. On other transcripts: intron variant (1).
Genome position (GRCh38, 1-based): chr11:78,574,366, C>A on the plus strand (G>T on the coding strand, the complement: NARS2 is on the minus strand). VCF-style: chr11-78574366-C-A. GRCh37 (hg19) VCF-style: chr11-78285411-C-A.
Other names: c.-541+463G>T (NM_001243251.2).
Identifiers: ClinVar variation 1508253 (VCV001508253.8), dbSNP rs747012924, ClinGen allele CA6205970.

ClinVar aggregate classification (germline): Uncertain significance (1 of 4 stars; one submission).

Allele frequency attached by ClinVar (database versions not stated): gnomAD exomes below 0.00001 and 0.00003; ExAC 0.00001; gnomAD 0.00001; TOPMed 0.00001.
gnomAD v4.1: 45 of 1,614,114 alleles (0.0028%); highest among the groups gnomAD compares: Non-Finnish European, 0.0038%; no homozygotes.

Submission:

Labcorp Genetics (formerly Invitae), Labcorp
Classification: Uncertain significance. Last evaluated: 2025-09-03. Review status: criteria provided, single submitter. Criteria: Invitae Variant Classification Sherloc (09022015). Collection method: clinical testing. Allele origin: germline.
Comment: This sequence change affects codon 41 of the NARS2 mRNA. It is a 'silent' change, meaning that it does not change the encoded amino acid sequence of the NARS2 protein. This variant is present in population databases (rs747012924, gnomAD 0.0009%). This variant has not been reported in the literature in individuals affected with NARS2-related conditions. ClinVar contains an entry for this variant (Variation ID: 1508253). Algorithms developed to predict the effect of sequence changes on RNA splicing suggest that this variant may create or strengthen a splice site. In summary, the available evidence is currently insufficient to determine the role of this variant in disease. Therefore, it has been classified as a Variant of Uncertain Significance.